The following is an entry in ClinVar:

ClinVar aggregate classification (germline): Uncertain significance. Review status: criteria provided, multiple submitters, no conflicts (2 of 4 stars). 3 submissions from 3 submitters: Uncertain significance (3). Last evaluated 2025-05-25.

Conditions:
Cardiomyopathy (CMYO). Also called: Cardiomyopathies. Identifiers: Orphanet 167848, MedGen C0878544, MONDO:0004994, HP:0001638. Inheritance: Various modes of inheritance.
Cardiovascular phenotype. Identifiers: MedGen CN230736.
Familial isolated arrhythmogenic right ventricular dysplasia. Identifiers: Orphanet 217656, MedGen C4274968, MONDO:0016342.

Allele frequency attached by ClinVar (database versions not stated): gnomAD exomes 0.00001.
gnomAD v4.1: 10 of 1,613,156 alleles (0.00062%); highest among the groups gnomAD compares: East Asian, 0.022%; no homozygotes.

Submissions (3):

Ambry Genetics
Classification: Uncertain significance for Cardiovascular phenotype. Last evaluated: 2025-05-25. Review status: criteria provided, single submitter. Criteria: Ambry Variant Classification Scheme 2023. Collection method: clinical testing. Allele origin: germline.

Color Diagnostics, LLC DBA Color Health
Classification: Uncertain significance for Cardiomyopathy. Last evaluated: 2024-03-06. Review status: criteria provided, single submitter. Criteria: ACMG Guidelines, 2015. Collection method: clinical testing. Allele origin: germline.
Comment: This missense variant replaces aspartic acid with asparagine at codon 329 of the DSC2 protein. Computational prediction suggests that this variant may not impact protein structure and function (internally defined REVEL score threshold <= 0.5, PMID: 27666373). To our knowledge, functional studies have not been reported for this variant. This variant has not been reported in individuals affected with cardiovascular disorders in the literature. This variant has not been identified in the general population by the Genome Aggregation Database (gnomAD). The available evidence is insufficient to determine the role of this variant in disease conclusively. Therefore, this variant is classified as a Variant of Uncertain Significance.

All of Us Research Program, National Institutes of Health
Classification: Uncertain significance for Familial isolated arrhythmogenic right ventricular dysplasia. Last evaluated: 2023-03-28. Review status: criteria provided, single submitter. Criteria: ACMG Guidelines, 2015. Collection method: clinical testing. Allele origin: germline. Inheritance: Autosomal dominant inheritance. Observed: 1 variant allele, 1 heterozygote.
Comment: This missense variant replaces aspartic acid with asparagine at codon 329 of the DSC2 protein. Computational prediction suggests that this variant may not impact protein structure and function (internally defined REVEL score threshold <= 0.5, PMID: 27666373). To our knowledge, functional studies have not been reported for this variant. This variant has not been reported in individuals affected with cardiovascular disorders in the literature. This variant has not been identified in the general population by the Genome Aggregation Database (gnomAD). The available evidence is insufficient to determine the role of this variant in disease conclusively. Therefore, this variant is classified as a Variant of Uncertain Significance.

This study involves interpretation of variants in research participants for the purpose of population health screening. Participant phenotype was not available at the time of variant classification. Additional details can be found in publication PMID: 35346344, PMCID: PMC8962531

NM_024422.6(DSC2):c.985G>A (p.Asp329Asn)

Gene: DSC2 (desmocollin 2; minus strand). Cytogenetic location: 18q12.1.
Variant type: single nucleotide variant.
Coding change: c.985G>A on transcript NM_024422.6 (MANE Select); coding-DNA position 985, G replaced by A.
Protein change: p.Asp329Asn; replaces aspartic acid 329 with asparagine.
Molecular consequence: missense variant.
Genome position (GRCh38, 1-based): chr18:31,083,018, C>T on the plus strand (G>A on the coding strand, the complement: DSC2 is on the minus strand). VCF-style: chr18-31083018-C-T. GRCh37 (hg19) VCF-style: chr18-28662984-C-T.
Other names: c.985G>A, p.Asp329Asn (NM_004949.5); short protein forms D329N.
Identifiers: ClinVar variation 1172068 (VCV001172068.5), dbSNP rs1987280682, ClinGen allele CA402110825.
Genomic context (GRCh38, chr18:31,083,018, plus strand): 5'-TTACATCATCAATGTTAATGATACAAGTTGAAGTTGTCTGTAGACCAAAATACTGACCAT[C>T]CATGTCTTGTACTTTTATTTTCAACTGGTACTTGTCAATTAACTGAAAACAAAAAAAGAA-3'
Protein context (NP_077740.1, residues 319-339): YQLKIKVQDM[Asp329Asn]GQYFGLQTTS